The following is an entry in ClinVar:

ClinVar aggregate classification (germline): Uncertain significance (1 of 4 stars; one submission).

Allele frequency attached by ClinVar (database versions not stated): gnomAD 0.00002; TOPMed 0.00002; gnomAD exomes 0.00001; ExAC 0.00002.
gnomAD v4.1: 18 of 1,571,106 alleles (0.0011%); highest among the groups gnomAD compares: African/African-American, 0.0014%; no homozygotes.

Submission:

Ambry Genetics
Classification: Uncertain significance. Last evaluated: 2026-05-27. Review status: criteria provided, single submitter. Criteria: Ambry Variant Classification Scheme 2023. Collection method: clinical testing. Allele origin: germline.
Comment: The c.8680G>A (p.D2894N) alteration is located in exon 31 (coding exon 31) of the MUC5B gene. This alteration results from a G to A substitution at nucleotide position 8680, causing the aspartic acid (D) at amino acid position 2894 to be replaced by an asparagine (N). Based on data from gnomAD, the A allele has an overall frequency of 0.001% (2/216114) total alleles studied. The highest observed frequency was 0.002% (2/95946) of European (non-Finnish) alleles. Based on insufficient or conflicting evidence, the clinical significance of this alteration remains unclear.

NM_002458.3(MUC5B):c.8680G>A (p.Asp2894Asn)

Genes: MUC5B (mucin 5B, oligomeric mucus/gel-forming; plus strand), MUC5B-AS1 (MUC5B antisense RNA 1; minus strand). Cytogenetic location: 11p15.5.
Variant type: single nucleotide variant.
Coding change: c.8680G>A on transcript NM_002458.3 (MANE Select); coding-DNA position 8680, G replaced by A.
Protein change: p.Asp2894Asn; replaces aspartic acid 2894 with asparagine.
Molecular consequence: missense variant.
Genome position (GRCh38, 1-based): chr11:1,245,560, G>A. VCF-style: chr11-1245560-G-A. GRCh37 (hg19) VCF-style: chr11-1266790-G-A.
Other names: short protein forms D2894N.
Identifiers: ClinVar variation 3150384 (VCV003150384.2), dbSNP rs762554745, ClinGen allele CA5806709.